The following is an entry in ClinVar:

ClinVar aggregate classification (germline): Uncertain significance (1 of 4 stars; one submission).

Allele frequency attached by ClinVar (database versions not stated): ExAC 0.00001; gnomAD 0.00001; TOPMed 0.00001; gnomAD exomes 0.00002.
gnomAD v4.1: 77 of 1,608,790 alleles (0.0048%); highest among the groups gnomAD compares: Non-Finnish European, 0.0064%; no homozygotes.

Submissions (2):

Labcorp Genetics (formerly Invitae), Labcorp
Classification: Uncertain significance. Last evaluated: 2022-02-02. Review status: criteria provided, single submitter. Criteria: Invitae Variant Classification Sherloc (09022015). Collection method: clinical testing. Allele origin: germline.
Comment: This sequence change falls in intron 16 of the DGAT1 gene. It does not directly change the encoded amino acid sequence of the DGAT1 protein. It affects a nucleotide within the consensus splice site. This variant is present in population databases (rs782685441, gnomAD 0.004%). This variant has not been reported in the literature in individuals affected with DGAT1-related conditions. Variants that disrupt the consensus splice site are a relatively common cause of aberrant splicing (PMID: 17576681, 9536098). Algorithms developed to predict the effect of sequence changes on RNA splicing suggest that this variant may disrupt the consensus splice site. In summary, the available evidence is currently insufficient to determine the role of this variant in disease. Therefore, it has been classified as a Variant of Uncertain Significance.

Dr. Peter K. Rogan Lab, Western University
No classification provided (evidence only). Condition: Cervical cancer. Review status: no classification provided. Collection method: in vitro. Allele origin: not applicable. Functional consequence: skipped exon, retained intron. Not counted in ClinVar's aggregate classification.

Literature cited by the submitters: PubMed 17576681 (cited by Labcorp Genetics (formerly Invitae), Labcorp); PubMed 9536098 (cited by Labcorp Genetics (formerly Invitae), Labcorp).

NM_012079.6(DGAT1):c.1311+4A>G

Gene: DGAT1 (diacylglycerol O-acyltransferase 1; minus strand). Cytogenetic location: 8q24.3.
Variant type: single nucleotide variant.
Coding change: c.1311+4A>G on transcript NM_012079.6 (MANE Select); 4 bases into the intron after coding-DNA position 1311, A replaced by G.
Molecular consequence: intron variant.
Genome position (GRCh38, 1-based): chr8:144,316,849, T>C on the plus strand (A>G on the coding strand, the complement: DGAT1 is on the minus strand). VCF-style: chr8-144316849-T-C. GRCh37 (hg19) VCF-style: chr8-145540512-T-C.
Identifiers: ClinVar variation 1503319 (VCV001503319.4), dbSNP rs782685441, ClinGen allele CA4936574.
Genomic context (GRCh38, chr8:144,316,849, plus strand): 5'-TCAGCCGAGGGGTTCAGGTGCGGGGTAACTGGGCGAGTGAGGAGGCCACGTGGGGGTCAC[T>C]CACCTGAGCCATCATGCCCGTGAACGCCCAGAGGCGGAACATTCGCAGAGGGACGCTCAC-3'